The following is an entry in ClinVar:

ClinVar aggregate classification (germline): Uncertain significance (1 of 4 stars; one submission).

Conditions:
Pierpont syndrome (PRPTS). Identifiers: Orphanet 487825, MedGen C1865644, MONDO:0011213, OMIM 602342.

Submission:

Labcorp Genetics (formerly Invitae), Labcorp
Classification: Uncertain significance for Pierpont syndrome. Last evaluated: 2019-11-20. Review status: criteria provided, single submitter. Criteria: Invitae Variant Classification Sherloc (09022015). Collection method: clinical testing. Allele origin: germline.
Comment: This variant results in a copy number gain of the genomic region encompassing the full coding sequence of the TBL1XR1 gene. The boundaries of this event are unknown as they extend beyond the assayed region for this gene and therefore may encompass additional genes. As the precise location of this event is unknown, it may be in tandem or it may be located elsewhere in the genome. Similar whole gene copy number gains have been observed to segregate with syndromic intellectual disability in a family and have also been observed in an unrelated individual affected with syndromic intellectual disability (PMID: 28574232). Experimental studies are not available for this variant, and the functional significance of the extra copy of this gene is currently unknown. In summary, the available evidence is currently insufficient to determine the role of this variant in disease. Therefore, it has been classified as a Variant of Uncertain Significance.

Literature cited by the submitters: PubMed 28574232.

NC_000003.11:g.(?_176743266)_(176782785_?)dup

Genes: TBL1XR1 (TBL1X/Y related 1; minus strand), TBL1XR1-AS1 (TBL1XR1 antisense RNA 1; plus strand), LOC112935911 (Sharpr-MPRA regulatory region 5683; plus strand), LOC126806878 (CDK7 strongly-dependent group 2 enhancer GRCh37_chr3:176755168-176756367; plus strand), LOC129937938 (ATAC-STARR-seq lymphoblastoid active region 20835; plus strand) and 1 more. Cytogenetic location: 3q26.32.
Variant type: Duplication.
Identifiers: ClinVar variation 658438 (VCV000658438.3).